The following is an entry in ClinVar:

NM_001379110.1(SLC9A6):c.15C>G (p.Ile5Met)

Gene: SLC9A6 (solute carrier family 9 member A6; plus strand). Cytogenetic location: Xq26.3.
Variant type: single nucleotide variant.
Coding change: c.15C>G on transcript NM_001379110.1 (MANE Select); coding-DNA position 15, C replaced by G.
Protein change: p.Ile5Met; replaces isoleucine 5 with methionine.
Molecular consequence: missense variant.
Genome position (GRCh38, 1-based): chrX:135,985,673, C>G. VCF-style: chrX-135985673-C-G. GRCh37 (hg19) VCF-style: chrX-135067832-C-G.
Other names: c.171C>G, p.Ile57Met (NM_001042537.2, NM_006359.3); c.15C>G, p.Ile5Met (NM_001177651.2, NM_001330652.2); short protein forms I57M, I5M.
Identifiers: ClinVar variation 379120 (VCV000379120.61), dbSNP rs782296172, ClinGen allele CA10524605.
Genomic context (GRCh38, chrX:135,985,673, plus strand): 5'-TGACTGGGCAGGGGCTTCGGACGGCGGCGGCGGAGAGGCTAGAGCCATGGACGAGGAGAT[C>G]GTGTCCGAGAAGCAAGCCGAGGAGAGCCACCGGCAGGACAGCGCCAACCTGCTCATCTTC-3'
Protein context (NP_001366039.1, residues 1-15): MDEE[Ile5Met]VSEKQAEESH

ClinVar aggregate classification (germline): Likely benign. Review status: reviewed by expert panel (3 of 4 stars). 6 submissions from 6 submitters: Likely benign (1). 5 of the submissions do not count toward it. Last evaluated 2021-03-26.

Conditions:
Christianson syndrome (MRXSCH). Also called: X-linked mental retardation, syndromic, Christianson type; INTELLECTUAL DEVELOPMENTAL DISORDER, X-LINKED, SYNDROMIC, CHRISTIANSON TYPE; SLC9A6-Related Syndromic Mental Retardation. Identifiers: Orphanet 85278, MedGen C2678194, MONDO:0010278, OMIM 300243.

Allele frequency attached by ClinVar (database versions not stated): ExAC 0.00003; gnomAD exomes 0.00004; TOPMed 0.00006.
gnomAD v4.1: 53 of 1,210,056 alleles (0.0044%); highest among the groups gnomAD compares: Non-Finnish European, 0.0057%; no homozygotes.

Submissions (6):

ClinGen Rett and Angelman-like Disorders Variant Curation Expert Panel
Classification: Likely benign for Christianson syndrome. Last evaluated: 2021-03-26. Review status: reviewed by expert panel. Criteria: ClinGen RettAS ACMG Specifications V1. Collection method: curation. Allele origin: germline. Inheritance: X-linked inheritance.
Comment: The allele frequency of the p.Ile5Met variant in SLC9A6 is 0.013% in Ashkenazi Jewish sub population in gnomAD, which is high enough to be classified as likely benign based on thresholds defined by the ClinGen Rett/Angelman-like Expert Panel for Rett/AS-like conditions (BS1). Computational analysis prediction tools suggest that the p.Ile5Met variant does not have a deleterious impact; however this information does not predict clinical significance on its own (BP4). In summary, the p.Ile5Met variant in SLC9A6 is classified as likely benign based on the ACMG/AMP criteria (BS1, BP4).

Labcorp Genetics (formerly Invitae), Labcorp
Classification: Likely benign for Christianson syndrome. Last evaluated: 2025-12-21. Review status: criteria provided, single submitter. Criteria: Invitae Variant Classification Sherloc (09022015). Collection method: clinical testing. Allele origin: germline. Not counted in ClinVar's aggregate classification.

CeGaT Center for Human Genetics Tuebingen
Classification: Likely benign. Last evaluated: 2024-07-01. Review status: criteria provided, single submitter. Criteria: CeGaT Center For Human Genetics Tuebingen Variant Classification Criteria Version 2. Collection method: clinical testing. Allele origin: germline. Affected: yes. Observed: 5 variant alleles. Not counted in ClinVar's aggregate classification.
Comment: SLC9A6: BS2

Blueprint Genetics
Classification: Likely benign. Last evaluated: 2023-11-30. Review status: criteria provided, single submitter. Criteria: ACMG Guidelines, 2015. Collection method: clinical testing. Allele origin: germline. Not counted in ClinVar's aggregate classification.

Centre for Mendelian Genomics, University Medical Centre Ljubljana
Classification: Likely benign for Christianson syndrome. Last evaluated: 2019-08-29. Review status: criteria provided, single submitter. Criteria: ACMG Guidelines, 2015. Collection method: clinical testing. Allele origin: unknown. Affected: yes. Not counted in ClinVar's aggregate classification.
Comment: This variant was classified as: Likely benign. The following ACMG criteria were applied in classifying this variant: BS2,BP4. This variant was detected in hemizygous state.

GeneDx
Classification: Uncertain significance. Last evaluated: 2017-01-27. Review status: criteria provided, single submitter. Criteria: GeneDx Variant Classification (06012015). Collection method: clinical testing. Allele origin: germline. Affected: yes. Not counted in ClinVar's aggregate classification.
Comment: A variant of uncertain significance has been identified in the SLC9A6 gene. The I57M variant has not been published as a pathogenic variant, nor has it been reported as a benign variant to our knowledge. The I57M variant is observed in 3/47,771 alleles from individuals of European background, including multiple unrelated hemizygous individuals (Lek et al., 2016; 1000 Genomes Consortium et al., 2015; Exome Variant Server). The I57M variant is a conservative amino acid substitution, which is not likely to impact secondary protein structure as these residues share similar properties. This substitution occurs at a position where amino acids with similar properties to Isoleucine are tolerated across species. In silico analysis is inconsistent in its predictions as to whether or not the variant is damaging to the protein structure/function. Based on the currently available information, it is unclear whether this variant is a pathogenic variant or a rare benign variant.